The following is an entry in ClinVar:

NM_003743.5(NCOA1):c.1316G>A (p.Gly439Glu)

Gene: NCOA1 (nuclear receptor coactivator 1; plus strand). Cytogenetic location: 2p23.3.
Variant type: single nucleotide variant.
Coding change: c.1316G>A on transcript NM_003743.5 (MANE Select); coding-DNA position 1316, G replaced by A.
Protein change: p.Gly439Glu; replaces glycine 439 with glutamic acid.
Molecular consequence: missense variant.
Genome position (GRCh38, 1-based): chr2:24,706,786, G>A. VCF-style: chr2-24706786-G-A. GRCh37 (hg19) VCF-style: chr2-24929655-G-A.
Other names: c.1316G>A, p.Gly439Glu (NM_001362950.1, NM_001362952.1, NM_001362954.1 and 3 more transcripts); short protein forms G439E.
Identifiers: ClinVar variation 2634540 (VCV002634540.3), dbSNP rs541708132, ClinGen allele CA1552232.

ClinVar aggregate classification (germline): Uncertain significance. Review status: criteria provided, multiple submitters, no conflicts (2 of 4 stars). 2 submissions from 2 submitters: Uncertain significance (2). Last evaluated 2025-08-01.

Conditions:
NCOA1-related disorder. Also called: NCOA1-related condition.

Allele frequency attached by ClinVar (database versions not stated): ExAC 0.00002; TOPMed 0.00002.
gnomAD v4.1: 5 of 1,614,168 alleles (0.00031%); highest among the groups gnomAD compares: African/African-American, 0.0013%; no homozygotes.

Submissions (2):

PreventionGenetics, part of Exact Sciences
Classification: Uncertain significance for NCOA1-related condition. Last evaluated: 2025-08-01. Review status: criteria provided, single submitter. Criteria: ACMG Guidelines, 2015. Collection method: clinical testing. Allele origin: germline.
Comment: The NCOA1 c.1316G>A variant is predicted to result in the amino acid substitution p.Gly439Glu. To our knowledge, this variant has not been reported in the literature. This variant is reported in 0.0062% of alleles in individuals of African descent in gnomAD. At this time, the clinical significance of this variant is uncertain due to the absence of conclusive functional and genetic evidence.

Ambry Genetics
Classification: Uncertain significance. Last evaluated: 2024-12-10. Review status: criteria provided, single submitter. Criteria: Ambry Variant Classification Scheme 2023. Collection method: clinical testing. Allele origin: germline.